The following is an entry in ClinVar:

NM_018668.5(VPS33B):c.84T>A (p.Tyr28Ter)

Gene: VPS33B (VPS33B late endosome and lysosome associated; minus strand). Cytogenetic location: 15q26.1.
Variant type: single nucleotide variant.
Coding change: c.84T>A on transcript NM_018668.5 (MANE Select); coding-DNA position 84, T replaced by A.
Protein change: p.Tyr28Ter; replaces tyrosine 28 with a stop codon.
Molecular consequence: nonsense. On other transcripts: 5 prime UTR variant (1).
Genome position (GRCh38, 1-based): chr15:91,022,166, A>T on the plus strand (T>A on the coding strand, the complement: VPS33B is on the minus strand). VCF-style: chr15-91022166-A-T. GRCh37 (hg19) VCF-style: chr15-91565396-A-T.
Other names: c.84T>A, p.Tyr28Ter (NM_001289148.1); c.-128T>A (NM_001289149.1); short protein forms Y28*.
Identifiers: ClinVar variation 1686296 (VCV001686296.6), dbSNP rs2041122746, ClinGen allele CA393863713.

ClinVar aggregate classification (germline): Pathogenic. Review status: criteria provided, multiple submitters, no conflicts (2 of 4 stars). 2 submissions from 2 submitters: Pathogenic (2). Last evaluated 2023-06-20.

Conditions:
Arthrogryposis, renal dysfunction, and cholestasis 1 (ARCS1). Identifiers: Orphanet 2697, MedGen C1859722, MONDO:0008822, OMIM 208085.

Allele frequency attached by ClinVar (database versions not stated): TOPMed below 0.00001.

Submissions (2):

Labcorp Genetics (formerly Invitae), Labcorp
Classification: Pathogenic. Last evaluated: 2023-06-20. Review status: criteria provided, single submitter. Criteria: Invitae Variant Classification Sherloc (09022015). Collection method: clinical testing. Allele origin: germline.
Comment: For these reasons, this variant has been classified as Pathogenic. ClinVar contains an entry for this variant (Variation ID: 1686296). This variant has not been reported in the literature in individuals affected with VPS33B-related conditions. This variant is not present in population databases (gnomAD no frequency). This sequence change creates a premature translational stop signal (p.Tyr28*) in the VPS33B gene. It is expected to result in an absent or disrupted protein product. Loss-of-function variants in VPS33B are known to be pathogenic (PMID: 15052268, 16896922).

Mendelics
Classification: Pathogenic for Arthrogryposis, renal dysfunction, and cholestasis 1. Last evaluated: 2022-05-04. Review status: criteria provided, single submitter. Criteria: Mendelics Assertion Criteria 2019. Collection method: clinical testing. Allele origin: germline.

Literature cited by the submitters: PubMed 15052268 (cited by Labcorp Genetics (formerly Invitae), Labcorp); PubMed 16896922 (cited by Labcorp Genetics (formerly Invitae), Labcorp).